The following is an entry in ClinVar:

NM_007294.4(BRCA1):c.3286C>A (p.Gln1096Lys)

Genes: BRCA1 (BRCA1 DNA repair associated; minus strand), LOC126862571 (BRD4-independent group 4 enhancer GRCh37_chr17:41243136-41244335; plus strand). Cytogenetic location: 17q21.31.
Variant type: single nucleotide variant.
Coding change: c.3286C>A on transcript NM_007294.4 (MANE Select); coding-DNA position 3286, C replaced by A.
Protein change: p.Gln1096Lys; replaces glutamine 1096 with lysine.
Molecular consequence: missense variant. On other transcripts: intron variant (137).
Genome position (GRCh38, 1-based): chr17:43,092,245, G>T on the plus strand (C>A on the coding strand, the complement: BRCA1 is on the minus strand). VCF-style: chr17-43092245-G-T. GRCh37 (hg19) VCF-style: chr17-41244262-G-T.
Other names: c.3283C>A, p.Gln1095Lys (NM_001407612.1, NM_001407613.1, NM_001407614.1 and 22 more transcripts); c.3286C>A, p.Gln1096Lys (NM_001407616.1, NM_001407617.1, NM_001407618.1 and 30 more transcripts); c.3277C>A, p.Gln1093Lys (NM_001407646.1, NM_001407647.1); c.3163C>A, p.Gln1055Lys (NM_001407648.1, NM_001407664.1, NM_001407665.1 and 19 more transcripts); c.3160C>A, p.Gln1054Lys (NM_001407649.1, NM_001407670.1, NM_001407671.1 and 11 more transcripts); c.3208C>A, p.Gln1070Lys (NM_001407653.1, NM_001407654.1, NM_001407655.1 and 4 more transcripts); c.3205C>A, p.Gln1069Lys (NM_001407659.1, NM_001407660.1, NM_001407661.1 and 1 more transcripts); c.3145C>A, p.Gln1049Lys (NM_001407692.1, NM_001407694.1, NM_001407695.1 and 29 more transcripts); and 41 more; short protein forms Q1096K, Q1049K, Q1025K, Q1029K, Q1069K, Q1095K, Q800K, Q984K.
Identifiers: ClinVar variation 482959 (VCV000482959.8), dbSNP rs80357485, ClinGen allele CA057989.
Genomic context (GRCh38, chr17:43,092,245, plus strand): 5'-CTTCTTCATATTCTTGCTTTTTTATTTCAGGATGCTTACAATTACTTCCAGGAAGACTTT[G>T]TTTATAGACCTCAGGTTGCAAAACCCCTAATCTAAGCATAGCATTCAATTTTGGCCCTCT-3'
Protein context (NP_009225.1, residues 1086-1106): LGVLQPEVYK[Gln1096Lys]SLPGSNCKHP

ClinVar aggregate classification (germline): Conflicting classifications of pathogenicity. Review status: criteria provided, conflicting classifications (1 of 4 stars). 2 submissions from 2 submitters: Uncertain significance (1); Likely benign (1). Last evaluated 2023-03-23.

Conditions:
Hereditary cancer-predisposing syndrome. Also called: Neoplastic Syndromes, Hereditary; Tumor predisposition; Hereditary Cancer Syndrome; Hereditary neoplastic syndrome. Identifiers: Orphanet 140162, MedGen C0027672, MeSH D009386, MONDO:0015356.

Allele frequency attached by ClinVar (database versions not stated): gnomAD exomes below 0.00001; ExAC 0.00001.
gnomAD v4.1: 1 of 1,613,508 alleles (0.000062%); highest among the groups gnomAD compares: East Asian, 0.0022%; no homozygotes.

Submissions (2):

University of Washington Department of Laboratory Medicine, University of Washington
Classification: Likely benign for Hereditary cancer-predisposing syndrome. Last evaluated: 2023-03-23. Review status: criteria provided, single submitter. Criteria: Dines et al. (Genet Med. 2020). Collection method: curation. Allele origin: germline.
Comment: Missense variant in a coldspot region where missense variants are very unlikely to be pathogenic (PMID:31911673).

BRCA1 coldspot (exon 11 using historical exon numbering). Reclassification based on statistical prior probability

Ambry Genetics
Classification: Uncertain significance for Hereditary cancer-predisposing syndrome. Last evaluated: 2022-09-30. Review status: criteria provided, single submitter. Criteria: Ambry Variant Classification Scheme 2023. Collection method: clinical testing. Allele origin: germline.
Comment: The p.Q1096K variant (also known as c.3286C>A), located in coding exon 9 of the BRCA1 gene, results from a C to A substitution at nucleotide position 3286. The glutamine at codon 1096 is replaced by lysine, an amino acid with similar properties. This amino acid position is well conserved in available vertebrate species. In addition, the in silico prediction for this alteration is inconclusive. Since supporting evidence is limited at this time, the clinical significance of this alteration remains unclear.